The following is an entry in ClinVar:

NM_001942.4(DSG1):c.2384G>T (p.Gly795Val)

Genes: DSG1 (desmoglein 1; plus strand), DSG1-AS1 (DSG1 antisense RNA 1; minus strand), LOC126862720 (MED14-independent group 3 enhancer GRCh37_chr18:28933613-28934812; plus strand). Cytogenetic location: 18q12.1.
Variant type: single nucleotide variant.
Coding change: c.2384G>T on transcript NM_001942.4 (MANE Select); coding-DNA position 2384, G replaced by T.
Protein change: p.Gly795Val; replaces glycine 795 with valine.
Molecular consequence: missense variant.
Genome position (GRCh38, 1-based): chr18:31,354,580, G>T. VCF-style: chr18-31354580-G-T. GRCh37 (hg19) VCF-style: chr18-28934543-G-T.
Other names: c.2384G>T (NM_001942.2); short protein forms G795V.
Identifiers: ClinVar variation 1010004 (VCV001010004.11), dbSNP rs753131024, ClinGen allele CA8926350.

ClinVar aggregate classification (germline): Uncertain significance. Review status: criteria provided, multiple submitters, no conflicts (2 of 4 stars). 2 submissions from 2 submitters: Uncertain significance (2). Last evaluated 2025-11-20.

Conditions:
Inborn genetic diseases. Identifiers: MedGen C0950123, MeSH D030342.

Allele frequency attached by ClinVar (database versions not stated): gnomAD 0.00001 and 0.00002; gnomAD exomes 0.00001 and 0.00002; TOPMed 0.00001; ExAC 0.00002.
gnomAD v4.1: 16 of 1,614,156 alleles (0.00099%); highest among the groups gnomAD compares: Admixed American, 0.0017%; no homozygotes.

Submissions (2):

Ambry Genetics
Classification: Uncertain significance for Inborn genetic diseases. Last evaluated: 2025-11-20. Review status: criteria provided, single submitter. Criteria: Ambry Variant Classification Scheme 2023. Collection method: clinical testing. Allele origin: germline.

Labcorp Genetics (formerly Invitae), Labcorp
Classification: Uncertain significance. Last evaluated: 2025-03-06. Review status: criteria provided, single submitter. Criteria: Invitae Variant Classification Sherloc (09022015). Collection method: clinical testing. Allele origin: germline.
Comment: This sequence change replaces glycine, which is neutral and non-polar, with valine, which is neutral and non-polar, at codon 795 of the DSG1 protein (p.Gly795Val). This variant is present in population databases (rs753131024, gnomAD 0.003%). This variant has not been reported in the literature in individuals affected with DSG1-related conditions. ClinVar contains an entry for this variant (Variation ID: 1010004). An algorithm developed to predict the effect of missense changes on protein structure and function (PolyPhen-2) suggests that this variant is likely to be tolerated. In summary, the available evidence is currently insufficient to determine the role of this variant in disease. Therefore, it has been classified as a Variant of Uncertain Significance.